The following is an entry in ClinVar:

NM_000135.4(FANCA):c.723G>A (p.Met241Ile)

Gene: FANCA (FA complementation group A; minus strand). Cytogenetic location: 16q24.3.
Variant type: single nucleotide variant.
Coding change: c.723G>A on transcript NM_000135.4 (MANE Select); coding-DNA position 723, G replaced by A.
Protein change: p.Met241Ile; replaces methionine 241 with isoleucine.
Molecular consequence: missense variant.
Genome position (GRCh38, 1-based): chr16:89,803,328, C>T on the plus strand (G>A on the coding strand, the complement: FANCA is on the minus strand). VCF-style: chr16-89803328-C-T. GRCh37 (hg19) VCF-style: chr16-89869736-C-T.
Other names: c.723G>A, p.Met241Ile (NM_001018112.3, NM_001286167.3); c.627G>A, p.Met209Ile (NM_001351830.2); short protein forms M241I, M209I.
Identifiers: ClinVar variation 3581566 (VCV003581566.2).

ClinVar aggregate classification (germline): Uncertain significance. Review status: criteria provided, multiple submitters, no conflicts (2 of 4 stars). 2 submissions from 2 submitters: Uncertain significance (2). Last evaluated 2025-02-09.

Conditions:
Inborn genetic diseases. Identifiers: MedGen C0950123, MeSH D030342.
Fanconi anemia complementation group A (FANCA). Also called: FANCA-Related Fanconi Anemia; Fanconi anemia, group A. Identifiers: Orphanet 84, MedGen C3469521, MONDO:0009215, OMIM 227650.

gnomAD v4.1: 1 of 1,613,832 alleles (0.000062%); highest among the groups gnomAD compares: South Asian, 0.0011%; no homozygotes.

Submissions (2):

Ambry Genetics
Classification: Uncertain significance for Inborn genetic diseases. Last evaluated: 2025-02-09. Review status: criteria provided, single submitter. Criteria: Ambry Variant Classification Scheme 2023. Collection method: clinical testing. Allele origin: germline.
Comment: The p.M241I variant (also known as c.723G>A), located in coding exon 8 of the FANCA gene, results from a G to A substitution at nucleotide position 723. The methionine at codon 241 is replaced by isoleucine, an amino acid with highly similar properties. This amino acid position is conserved. In addition, this alteration is predicted to be tolerated by in silico analysis. Based on the available evidence, the clinical significance of this variant remains unclear.

Fulgent Genetics
Classification: Uncertain significance for Fanconi anemia complementation group A. Last evaluated: 2024-03-21. Review status: criteria provided, single submitter. Criteria: ACMG Guidelines, 2015. Collection method: clinical testing. Allele origin: germline.